The following is an entry in ClinVar:

ClinVar aggregate classification (germline): Likely benign. Review status: criteria provided, single submitter (1 of 4 stars). 2 submissions from 2 submitters: Likely benign (1). 1 of the submissions does not count toward it. Last evaluated 2025-10-18.

Conditions:
PCNT-related disorder. Also called: PCNT-related condition.
Inborn genetic diseases. Identifiers: MedGen C0950123, MeSH D030342.

gnomAD v4.1: 13 of 1,605,866 alleles (0.00081%); highest among the groups gnomAD compares: Non-Finnish European, 0.0011%; no homozygotes.

Submissions (2):

Ambry Genetics
Classification: Likely benign for Inborn genetic diseases. Last evaluated: 2025-10-18. Review status: criteria provided, single submitter. Criteria: Ambry Variant Classification Scheme 2023. Collection method: clinical testing. Allele origin: germline.

PreventionGenetics, part of Exact Sciences
Classification: Uncertain significance for PCNT-related condition. Last evaluated: 2024-05-20. Review status: no assertion criteria provided. Collection method: clinical testing. Allele origin: germline. Not counted in ClinVar's aggregate classification.
Comment: The PCNT c.4553G>A variant is predicted to result in the amino acid substitution p.Arg1518His. To our knowledge, this variant has not been reported in the literature or in a large population database. At this time, the clinical significance of this variant is uncertain due to the absence of conclusive functional and genetic evidence.

NM_006031.6(PCNT):c.4553G>A (p.Arg1518His)

Gene: PCNT (pericentrin; plus strand). Cytogenetic location: 21q22.3.
Variant type: single nucleotide variant.
Coding change: c.4553G>A on transcript NM_006031.6 (MANE Select); coding-DNA position 4553, G replaced by A.
Protein change: p.Arg1518His; replaces arginine 1518 with histidine.
Molecular consequence: missense variant.
Genome position (GRCh38, 1-based): chr21:46,398,120, G>A. VCF-style: chr21-46398120-G-A. GRCh37 (hg19) VCF-style: chr21-47818034-G-A.
Other names: c.4199G>A, p.Arg1400His (NM_001315529.2); short protein forms R1400H, R1518H.
Identifiers: ClinVar variation 3353342 (VCV003353342.2).